The following is an entry in ClinVar:

NM_001040108.2(MLH3):c.2542G>C (p.Glu848Gln)

Gene: MLH3 (mutL homolog 3; minus strand). Cytogenetic location: 14q24.3.
Variant type: single nucleotide variant.
Coding change: c.2542G>C on transcript NM_001040108.2 (MANE Select); coding-DNA position 2542, G replaced by C.
Protein change: p.Glu848Gln; replaces glutamic acid 848 with glutamine.
Molecular consequence: missense variant.
Genome position (GRCh38, 1-based): chr14:75,047,114, C>G on the plus strand (G>C on the coding strand, the complement: MLH3 is on the minus strand). VCF-style: chr14-75047114-C-G. GRCh37 (hg19) VCF-style: chr14-75513817-C-G.
Other names: c.2542G>C, p.Glu848Gln (NM_014381.3); short protein forms E848Q.
Identifiers: ClinVar variation 3349000 (VCV003349000.1).

ClinVar aggregate classification (germline): Uncertain significance (0 of 4 stars; one submission).

Conditions:
MLH3-related disorder. Also called: MLH3-related condition.

Submission:

PreventionGenetics, part of Exact Sciences
Classification: Uncertain significance for MLH3-related condition. Last evaluated: 2024-03-21. Review status: no assertion criteria provided. Collection method: clinical testing. Allele origin: germline.
Comment: The MLH3 c.2542G>C variant is predicted to result in the amino acid substitution p.Glu848Gln. To our knowledge, this variant has not been reported in the literature or in a large population database, indicating this variant is rare. At this time, the clinical significance of this variant is uncertain due to the absence of conclusive functional and genetic evidence.